The following is an entry in ClinVar:

NM_002474.3(MYH11):c.1613A>G (p.Glu538Gly)

Gene: MYH11 (myosin heavy chain 11; minus strand). Cytogenetic location: 16p13.11.
Variant type: single nucleotide variant.
Coding change: c.1613A>G on transcript NM_002474.3 (MANE Select); coding-DNA position 1613, A replaced by G.
Protein change: p.Glu538Gly; replaces glutamic acid 538 with glycine.
Molecular consequence: missense variant.
Genome position (GRCh38, 1-based): chr16:15,756,477, T>C on the plus strand (A>G on the coding strand, the complement: MYH11 is on the minus strand). VCF-style: chr16-15756477-T-C. GRCh37 (hg19) VCF-style: chr16-15850334-T-C.
Other names: c.1634A>G, p.Glu545Gly (NM_001040113.2, NM_001040114.2); c.1613A>G, p.Glu538Gly (NM_022844.3); short protein forms E545G, E538G.
Identifiers: ClinVar variation 922254 (VCV000922254.4), dbSNP rs1421397442, ClinGen allele CA394870547.

ClinVar aggregate classification (germline): Uncertain significance (1 of 4 stars; one submission).

Conditions:
Familial thoracic aortic aneurysm and aortic dissection (TAAD). Also called: Thoracic aortic aneurysms and dissections. Identifiers: Orphanet 91387, MedGen C4707243, MONDO:0019625.

Allele frequency attached by ClinVar (database versions not stated): gnomAD exomes below 0.00001.
gnomAD v4.1: 2 of 1,614,156 alleles (0.00012%); highest among the groups gnomAD compares: Non-Finnish European, 0.00017%; no homozygotes.

Submission:

Color Diagnostics, LLC DBA Color Health
Classification: Uncertain significance for Familial thoracic aortic aneurysm and aortic dissection. Last evaluated: 2024-03-06. Review status: criteria provided, single submitter. Criteria: ACMG Guidelines, 2015. Collection method: clinical testing. Allele origin: germline.
Comment: This missense variant replaces glutamic acid with glycine at codon 545 of the MYH11 protein. Computational prediction suggests that this variant may have deleterious impact on protein structure and function (internally defined REVEL score threshold >= 0.7, PMID: 27666373). Splice site prediction tools suggest that this variant may not impact RNA splicing. To our knowledge, functional studies have not been performed for this variant. This variant has not been reported in individuals affected with cardiovascular disorders in the literature. This variant has been identified in 1/251444 chromosomes in the general population by the Genome Aggregation Database (gnomAD). The available evidence is insufficient to determine the role of this variant in disease conclusively. Therefore, this variant is classified as a Variant of Uncertain Significance.